The following is an entry in ClinVar:

ClinVar aggregate classification (germline): Pathogenic (1 of 4 stars; one submission).

Conditions:
Colorectal cancer. Also called: Malignant Colorectal Neoplasm; Colorectal cancer, somatic. Identifiers: MedGen C0346629, MONDO:0005575, OMIM 114500.

Submission:

Human Genetics Unit, University Of Colombo
Classification: Pathogenic for Colorectal cancer. Last evaluated: 2020-06-20. Review status: criteria provided, single submitter. Criteria: ACMG Guidelines, 2015. Collection method: clinical testing. Allele origin: unknown. Inheritance: Autosomal dominant inheritance. Affected: yes.
Comment: This 7 base deletion in APC gene causes a frameshift and creates a premature stop codon at position 20 of the new reading frame (N933Tfs*20). It is predicted to cause loss of normal protein function through either protein truncation or nonsense-mediated mRNA decay. It has not been reported in any public frequency databases . According to ACMG-AMP criteria, this variant is classified as Pathogenic (Ib). Evidence : PM2, PVS1, PM6, PP4

NM_000038.6(APC):c.2798_2804del (p.Asn933fs)

Gene: APC (APC regulator of Wnt signaling pathway; plus strand). Cytogenetic location: 5q22.2.
Variant type: Deletion.
Coding change: c.2798_2804del on transcript NM_000038.6 (MANE Select); coding-DNA positions 2798 to 2804, 7 bases deleted (ACACTTA; older notation c.2798_2804delACACTTA).
Protein change: p.Asn933fs; shifts the reading frame from asparagine 933.
Molecular consequence: frameshift variant.
Genome position (GRCh38, 1-based): chr5:112,838,392-112,838,398, ACACTTA deleted; deleting any 7 consecutive bases within chr5:112,838,391-112,838,398 gives the same sequence; the c. name uses the placement nearest the transcript's 3' end. VCF-style (leftmost placement, unchanged base first): chr5-112838390-AAACACTT-A. GRCh37 (hg19) VCF-style: chr5-112174087-AAACACTT-A.
Other names: c.2798_2804del, p.Asn933fs (NM_001127510.3, NM_001354895.2); c.2744_2750del, p.Asn915fs (NM_001127511.3); c.2852_2858del, p.Asn951fs (NM_001354896.2); c.2828_2834del, p.Asn943fs (NM_001354897.2); c.2723_2729del, p.Asn908fs (NM_001354898.2); c.2714_2720del, p.Asn905fs (NM_001354899.2); c.2675_2681del, p.Asn892fs (NM_001354900.2); c.2621_2627del, p.Asn874fs (NM_001354901.2); and 5 more; short protein forms N650fs, N773fs, N807fs, N832fs, N842fs, N874fs, N892fs, N905fs.
Identifiers: ClinVar variation 1120225 (VCV001120225.4), dbSNP rs2149877627, ClinGen allele CA2499217467.